The following is an entry in ClinVar:

ClinVar aggregate classification (germline): Uncertain significance (1 of 4 stars; one submission).

Submission:

Labcorp Genetics (formerly Invitae), Labcorp
Classification: Uncertain significance. Last evaluated: 2025-02-06. Review status: criteria provided, single submitter. Criteria: Invitae Variant Classification Sherloc (09022015). Collection method: clinical testing. Allele origin: germline.
Comment: This sequence change replaces aspartic acid, which is acidic and polar, with glycine, which is neutral and non-polar, at codon 296 of the CYFIP2 protein (p.Asp296Gly). This variant is present in population databases (no rsID available, gnomAD 0.01%). This variant has not been reported in the literature in individuals affected with CYFIP2-related conditions. Experimental studies and prediction algorithms are not available or were not evaluated, and the functional significance of this variant is currently unknown. Algorithms developed to predict the effect of sequence changes on RNA splicing suggest that this variant may disrupt the consensus splice site. In summary, the available evidence is currently insufficient to determine the role of this variant in disease. Therefore, it has been classified as a Variant of Uncertain Significance.

NM_001037333.3(CYFIP2):c.887A>G (p.Asp296Gly)

Gene: CYFIP2 (cytoplasmic FMR1 interacting protein 2; plus strand). Cytogenetic location: 5q33.3.
Variant type: single nucleotide variant.
Coding change: c.887A>G on transcript NM_001037333.3 (MANE Select); coding-DNA position 887, A replaced by G.
Protein change: p.Asp296Gly; replaces aspartic acid 296 with glycine.
Molecular consequence: missense variant.
Genome position (GRCh38, 1-based): chr5:157,307,852, A>G. VCF-style: chr5-157307852-A-G. GRCh37 (hg19) VCF-style: chr5-156734860-A-G.
Other names: c.809A>G, p.Asp270Gly (NM_001291721.2); c.887A>G, p.Asp296Gly (NM_001291722.2, NM_014376.4); short protein forms D270G, D296G.
Identifiers: ClinVar variation 4701727 (VCV004701727.1).